The following is an entry in ClinVar:

NM_012281.3(KCND2):c.188C>T (p.Pro63Leu)

Gene: KCND2 (potassium voltage-gated channel subfamily D member 2; plus strand). Cytogenetic location: 7q31.31.
Variant type: single nucleotide variant.
Coding change: c.188C>T on transcript NM_012281.3 (MANE Select); coding-DNA position 188, C replaced by T.
Protein change: p.Pro63Leu; replaces proline 63 with leucine.
Molecular consequence: missense variant.
Genome position (GRCh38, 1-based): chr7:120,274,820, C>T. VCF-style: chr7-120274820-C-T. GRCh37 (hg19) VCF-style: chr7-119914874-C-T.
Other names: short protein forms P63L.
Identifiers: ClinVar variation 1038912 (VCV001038912.8), dbSNP rs1799148358, ClinGen allele CA369131026.

ClinVar aggregate classification (germline): Uncertain significance (1 of 4 stars; one submission).

Conditions:
Early Myoclonic Encephalopathy. Identifiers: MedGen C0270855.

Submission:

Labcorp Genetics (formerly Invitae), Labcorp
Classification: Uncertain significance for Early Myoclonic Encephalopathy. Last evaluated: 2023-12-11. Review status: criteria provided, single submitter. Criteria: Invitae Variant Classification Sherloc (09022015). Collection method: clinical testing. Allele origin: germline.
Comment: This sequence change replaces proline, which is neutral and non-polar, with leucine, which is neutral and non-polar, at codon 63 of the KCND2 protein (p.Pro63Leu). This variant is not present in population databases (gnomAD no frequency). This variant has not been reported in the literature in individuals affected with KCND2-related conditions. ClinVar contains an entry for this variant (Variation ID: 1038912). Advanced modeling of protein sequence and biophysical properties (such as structural, functional, and spatial information, amino acid conservation, physicochemical variation, residue mobility, and thermodynamic stability) has been performed at Invitae for this missense variant, however the output from this modeling did not meet the statistical confidence thresholds required to predict the impact of this variant on KCND2 protein function. In summary, the available evidence is currently insufficient to determine the role of this variant in disease. Therefore, it has been classified as a Variant of Uncertain Significance.